The following is an entry in ClinVar:

ClinVar aggregate classification (germline): Uncertain significance (1 of 4 stars; one submission).

Conditions:
Hereditary cancer-predisposing syndrome. Also called: Neoplastic Syndromes, Hereditary; Hereditary Cancer Syndrome; Tumor predisposition; Hereditary neoplastic syndrome. Identifiers: Orphanet 140162, MedGen C0027672, MeSH D009386, MONDO:0015356.

Submission:

Ambry Genetics
Classification: Uncertain significance for Hereditary cancer-predisposing syndrome. Last evaluated: 2025-01-10. Review status: criteria provided, single submitter. Criteria: Ambry Variant Classification Scheme 2023. Collection method: clinical testing. Allele origin: germline.
Comment: The p.H1496R variant (also known as c.4487A>G), located in coding exon 35 of the POLE gene, results from an A to G substitution at nucleotide position 4487. The histidine at codon 1496 is replaced by arginine, an amino acid with highly similar properties. This amino acid position is conserved. In addition, this alteration is predicted to be tolerated by in silico analysis. Based on the available evidence, the clinical significance of this variant remains unclear.

NM_006231.4(POLE):c.4487A>G (p.His1496Arg)

Gene: POLE (DNA polymerase epsilon, catalytic subunit; minus strand). Cytogenetic location: 12q24.33.
Variant type: single nucleotide variant.
Coding change: c.4487A>G on transcript NM_006231.4 (MANE Select); coding-DNA position 4487, A replaced by G.
Protein change: p.His1496Arg; replaces histidine 1496 with arginine.
Molecular consequence: missense variant.
Genome position (GRCh38, 1-based): chr12:132,643,288, T>C on the plus strand (A>G on the coding strand, the complement: POLE is on the minus strand). VCF-style: chr12-132643288-T-C. GRCh37 (hg19) VCF-style: chr12-133219874-T-C.
Other names: short protein forms H1496R.
Identifiers: ClinVar variation 3781556 (VCV003781556.1).